The following is an entry in ClinVar:

ClinVar aggregate classification (germline): Pathogenic (1 of 4 stars; one submission).

Conditions:
Ocular cystinosis. Also called: Non-Nephropathic Cystinosis; Non-Nephropathic (Ocular) Cystinosis. Identifiers: Orphanet 213, Orphanet 411641, MedGen C2931013, MONDO:0009064, OMIM 219750.
Juvenile nephropathic cystinosis. Also called: Intermediate Cystinosis; CYSTINOSIS, LATE-ONSET JUVENILE OR ADOLESCENT NEPHROPATHIC TYPE; Later-Onset (Juvenile) Cystinosis. Identifiers: Orphanet 213, Orphanet 411634, MedGen C0268626, MONDO:0009066, OMIM 219900.
Inborn genetic diseases. Identifiers: MedGen C0950123, MeSH D030342.

Submission:

Labcorp Genetics (formerly Invitae), Labcorp
Classification: Pathogenic for Inborn genetic diseases; Ocular cystinosis; Juvenile nephropathic cystinosis. Last evaluated: 2023-06-20. Review status: criteria provided, single submitter. Criteria: Invitae Variant Classification Sherloc (09022015). Collection method: clinical testing. Allele origin: unknown.
Comment: For these reasons, this variant has been classified as Pathogenic. This variant has not been reported in the literature in individuals affected with CTNS-related conditions. This variant results in the deletion of exons 1-6 and part of exon 7 (c.-19964_339del) of the CTNS gene. It is expected to result in an absent or disrupted protein product. Loss-of-function variants in CTNS are known to be pathogenic (PMID: 9537412, 27102039).

Literature cited by the submitters: PubMed 9537412; PubMed 27102039.

NC_000017.10:g.(?_3520391)_(3558524_?)del

Genes: CTNS (cystinosin, lysosomal cystine transporter; plus strand), SHPK (sedoheptulokinase; minus strand). Cytogenetic location: 17p13.2.
Variant type: Deletion.
Identifiers: ClinVar variation 3243030 (VCV003243030.1).